The following is an entry in ClinVar:

NM_024496.4(IRF2BPL):c.170del (p.Leu57fs)

Genes: IRF2BPL (interferon regulatory factor 2 binding protein like; minus strand), LOC107984638 (uncharacterized LOC107984638; plus strand). Cytogenetic location: 14q24.3.
Variant type: Deletion.
Coding change: c.170del on transcript NM_024496.4 (MANE Select); coding-DNA position 170, one base deleted (T; older notation c.170delT).
Protein change: p.Leu57fs; shifts the reading frame from leucine 57.
Molecular consequence: frameshift variant. On other transcripts: non-coding transcript variant (3).
Genome position (GRCh38, 1-based): chr14:77,027,623, A deleted on the plus strand (T on the coding strand, the reverse complement: IRF2BPL is on the minus strand). VCF-style (leftmost placement, unchanged base first): chr14-77027622-CA-C. GRCh37 (hg19) VCF-style: chr14-77493965-CA-C.
Other names: short protein forms L57fs.
Identifiers: ClinVar variation 4994592 (VCV004994592.1).
Genomic context (GRCh38, chr14:77,027,622, plus strand): 5'-CCCGACGGGCGGCGGCGGCCCGGGGGAGCGGCCGTCCTGGAAGCAGCCGTGCGCCCGCTT[CA>C]GCTGGCGCGCTGTCTCGATCACGAATTCGATGCGATCAGCGCCCTCGTAGTTGACGCAAC-3'

ClinVar aggregate classification (germline): Uncertain significance (1 of 4 stars; one submission).

Conditions:
IRF2BPL-related disorder. Also called: IRF2BPL-related condition. Identifiers: MedGen CN381093.

Submission:

PreventionGenetics, part of Exact Sciences
Classification: Uncertain significance for IRF2BPL-related condition. Last evaluated: 2026-06-05. Review status: criteria provided, single submitter. Criteria: ACMG Guidelines, 2015. Collection method: clinical testing. Allele origin: germline.
Comment: The IRF2BPL c.170delT variant is predicted to result in a frameshift and premature protein termination (p.Leu57Argfs*95). To our knowledge, this variant has not been reported in the literature or in a large population database (gnomAD), indicating this variant is rare. Although we suspect that this variant may be pathogenic, at this time, the clinical significance of this variant is uncertain due to the absence of conclusive functional and genetic evidence.